The following is an entry in ClinVar:

ClinVar aggregate classification (germline): Uncertain significance. Review status: criteria provided, multiple submitters, no conflicts (2 of 4 stars). 6 submissions from 6 submitters: Uncertain significance (6). Last evaluated 2025-10-03.

Conditions:
LRP2-related disorder. Also called: LRP2-related condition.
Donnai-Barrow syndrome. Also called: DBS/FOAR SYNDROME; FACIOOCULOACOUSTICORENAL SYNDROME. Identifiers: Orphanet 2143, MedGen C1857277, MONDO:0009104, OMIM 222448.
Inborn genetic diseases. Identifiers: MedGen C0950123, MeSH D030342.

Allele frequency attached by ClinVar (database versions not stated): ExAC 0.00001; gnomAD 0.00001; gnomAD exomes 0.00001; TOPMed 0.00003.
gnomAD v4.1: 17 of 1,614,096 alleles (0.0011%); highest among the groups gnomAD compares: Admixed American, 0.0017%; no homozygotes.

Submissions (6):

PreventionGenetics, part of Exact Sciences
Classification: Uncertain significance for LRP2-related condition. Last evaluated: 2025-10-03. Review status: criteria provided, single submitter. Criteria: ACMG Guidelines, 2015. Collection method: clinical testing. Allele origin: germline.
Comment: The LRP2 c.3212C>T variant is predicted to result in the amino acid substitution p.Ala1071Val. To our knowledge, this variant has not been reported in the literature. This variant is reported in 0.0018% of alleles in individuals of European (Non-Finnish) descent in gnomAD. At this time, the clinical significance of this variant is uncertain due to the absence of conclusive functional and genetic evidence.

Ambry Genetics
Classification: Uncertain significance for Inborn genetic diseases. Last evaluated: 2025-02-25. Review status: criteria provided, single submitter. Criteria: Ambry Variant Classification Scheme 2023. Collection method: clinical testing. Allele origin: germline.

Fulgent Genetics
Classification: Uncertain significance for Donnai-Barrow syndrome. Last evaluated: 2024-02-07. Review status: criteria provided, single submitter. Criteria: ACMG Guidelines, 2015. Collection method: clinical testing. Allele origin: germline.

Labcorp Genetics (formerly Invitae), Labcorp
Classification: Uncertain significance. Last evaluated: 2022-09-27. Review status: criteria provided, single submitter. Criteria: Invitae Variant Classification Sherloc (09022015). Collection method: clinical testing. Allele origin: germline.
Comment: This sequence change replaces alanine, which is neutral and non-polar, with valine, which is neutral and non-polar, at codon 1071 of the LRP2 protein (p.Ala1071Val). This variant is present in population databases (rs756882589, gnomAD 0.0009%). This variant has not been reported in the literature in individuals affected with LRP2-related conditions. ClinVar contains an entry for this variant (Variation ID: 1503053). Advanced modeling of protein sequence and biophysical properties (such as structural, functional, and spatial information, amino acid conservation, physicochemical variation, residue mobility, and thermodynamic stability) performed at Invitae indicates that this missense variant is expected to disrupt LRP2 protein function. In summary, the available evidence is currently insufficient to determine the role of this variant in disease. Therefore, it has been classified as a Variant of Uncertain Significance.

GeneDx
Classification: Uncertain significance. Last evaluated: 2022-08-22. Review status: criteria provided, single submitter. Criteria: GeneDx Variant Classification Process June 2021. Collection method: clinical testing. Allele origin: germline. Affected: yes.
Comment: Not observed at significant frequency in large population cohorts (gnomAD); In silico analysis supports that this missense variant does not alter protein structure/function; Has not been previously published as pathogenic or benign to our knowledge

Breakthrough Genomics
Classification: Uncertain significance. Review status: criteria provided, single submitter. Criteria: ACMG Guidelines, 2015. Collection method: not provided. Allele origin: germline. Inheritance: Autosomal recessive inheritance. Affected: yes.

NM_004525.3(LRP2):c.3212C>T (p.Ala1071Val)

Gene: LRP2 (LDL receptor related protein 2; minus strand). Cytogenetic location: 2q31.1.
Variant type: single nucleotide variant.
Coding change: c.3212C>T on transcript NM_004525.3 (MANE Select); coding-DNA position 3212, C replaced by T.
Protein change: p.Ala1071Val; replaces alanine 1071 with valine.
Molecular consequence: missense variant.
Genome position (GRCh38, 1-based): chr2:169,244,911, G>A on the plus strand (C>T on the coding strand, the complement: LRP2 is on the minus strand). VCF-style: chr2-169244911-G-A. GRCh37 (hg19) VCF-style: chr2-170101421-G-A.
Other names: c.3212C>T (NM_004525.2); short protein forms A1071V.
Identifiers: ClinVar variation 1503053 (VCV001503053.10), dbSNP rs756882589, ClinGen allele CA1955086.